The following is an entry in ClinVar:

ClinVar aggregate classification (germline): Uncertain significance. Review status: criteria provided, multiple submitters, no conflicts (2 of 4 stars). 2 submissions from 2 submitters: Uncertain significance (2). Last evaluated 2025-02-18.

gnomAD v4.1: 28 of 1,539,214 alleles (0.0018%); highest among the groups gnomAD compares: East Asian, 0.0073%; no homozygotes.

Submissions (2):

GeneDx
Classification: Uncertain significance. Last evaluated: 2025-02-18. Review status: criteria provided, single submitter. Criteria: GeneDx Variant Classification Process June 2021. Collection method: clinical testing. Allele origin: germline. Affected: yes.
Comment: Not observed at significant frequency in large population cohorts (gnomAD); In silico analysis supports that this missense variant has a deleterious effect on protein structure/function; Has not been previously published as pathogenic or benign to our knowledge

Ambry Genetics
Classification: Uncertain significance. Last evaluated: 2024-10-08. Review status: criteria provided, single submitter. Criteria: Ambry Variant Classification Scheme 2023. Collection method: clinical testing. Allele origin: germline.

NM_015656.2(KIF26A):c.3019C>T (p.Arg1007Cys)

Gene: KIF26A (kinesin family member 26A; plus strand). Cytogenetic location: 14q32.33.
Variant type: single nucleotide variant.
Coding change: c.3019C>T on transcript NM_015656.2 (MANE Select); coding-DNA position 3019, C replaced by T.
Protein change: p.Arg1007Cys; replaces arginine 1007 with cysteine.
Molecular consequence: missense variant.
Genome position (GRCh38, 1-based): chr14:104,175,807, C>T. VCF-style: chr14-104175807-C-T. GRCh37 (hg19) VCF-style: chr14-104642144-C-T.
Other names: short protein forms R1007C.
Identifiers: ClinVar variation 3534269 (VCV003534269.2).